The following is an entry in ClinVar:

NM_001355436.2(SPTB):c.149-5C>G

Gene: SPTB (spectrin beta, erythrocytic; minus strand). Cytogenetic location: 14q23.3.
Variant type: single nucleotide variant.
Coding change: c.149-5C>G on transcript NM_001355436.2 (MANE Select); 5 bases into the intron before coding-DNA position 149, C replaced by G.
Molecular consequence: intron variant.
Genome position (GRCh38, 1-based): chr14:64,805,095, G>C on the plus strand (C>G on the coding strand, the complement: SPTB is on the minus strand). VCF-style: chr14-64805095-G-C. GRCh37 (hg19) VCF-style: chr14-65271813-G-C.
Other names: c.149-5C>G (NM_001024858.4, NM_001355437.2).
Identifiers: ClinVar variation 4715937 (VCV004715937.2).
Genomic context (GRCh38, chr14:64,805,095, plus strand): 5'-CAGGTGCGAGTTCACCCATTTCGTGAAGGTCTTTTTCTGAACAACTTCCCGCTCATCTAG[G>C]TGGAGAGAAGAACCTTGGTGAGGTGCCTGAGGTTGGCAGGGTCAGTGTGACATGGGGCCA-3'

ClinVar aggregate classification (germline): Uncertain significance. Review status: criteria provided, multiple submitters, no conflicts (2 of 4 stars). 2 submissions from 2 submitters: Uncertain significance (2). Last evaluated 2025-03-25.

Submissions (2):

Labcorp Genetics (formerly Invitae), Labcorp
Classification: Uncertain significance. Last evaluated: 2025-03-25. Review status: criteria provided, single submitter. Criteria: Invitae Variant Classification Sherloc (09022015). Collection method: clinical testing. Allele origin: germline.
Comment: This sequence change falls in intron 1 of the SPTB gene. It does not directly change the encoded amino acid sequence of the SPTB protein. This variant is not present in population databases (gnomAD no frequency). This variant has not been reported in the literature in individuals affected with SPTB-related conditions. Algorithms developed to predict the effect of sequence changes on RNA splicing suggest that this variant may disrupt the consensus splice site. In summary, the available evidence is currently insufficient to determine the role of this variant in disease. Therefore, it has been classified as a Variant of Uncertain Significance.

Blueprint Genetics
Classification: Uncertain significance. Last evaluated: 2024-03-26. Review status: criteria provided, single submitter. Criteria: ACMG Guidelines, 2015. Collection method: clinical testing. Allele origin: germline.